The following is an entry in ClinVar:

NM_000465.4(BARD1):c.2138T>G (p.Val713Gly)

Gene: BARD1 (BRCA1 associated RING domain 1; minus strand). Cytogenetic location: 2q35.
Variant type: single nucleotide variant.
Coding change: c.2138T>G on transcript NM_000465.4 (MANE Select); coding-DNA position 2138, T replaced by G.
Protein change: p.Val713Gly; replaces valine 713 with glycine.
Molecular consequence: missense variant. On other transcripts: non-coding transcript variant (3).
Genome position (GRCh38, 1-based): chr2:214,728,872, A>C on the plus strand (T>G on the coding strand, the complement: BARD1 is on the minus strand). VCF-style: chr2-214728872-A-C. GRCh37 (hg19) VCF-style: chr2-215593596-A-C.
Other names: c.2081T>G, p.Val694Gly (NM_001282543.2); c.785T>G, p.Val262Gly (NM_001282545.2); c.728T>G, p.Val243Gly (NM_001282548.2); c.599T>G, p.Val200Gly (NM_001282549.2); short protein forms V713G, V694G, V243G, V200G, V262G.
Identifiers: ClinVar variation 229785 (VCV000229785.17), dbSNP rs876658193, ClinGen allele CA10577767.
Genomic context (GRCh38, chr2:214,728,872, plus strand): 5'-CAGAAGCGCTGATCAGAATCGGGTCTCGCATGGTATGCGACTGTATTGATGGTCTGAGTC[A>C]CGTCACTGTCTGGCTTGGGCTTTCTACTGAGGATCTGGCCCCCACCTGCAGTGACGAGCT-3'
Protein context (NP_000456.2, residues 703-723): LSRKPKPDSD[Val713Gly]TQTINTVAYH

ClinVar aggregate classification (germline): Uncertain significance. Review status: criteria provided, multiple submitters, no conflicts (2 of 4 stars). 3 submissions from 3 submitters: Uncertain significance (3). Last evaluated 2025-05-25.

Conditions:
Hereditary cancer-predisposing syndrome. Also called: Hereditary neoplastic syndrome; Hereditary Cancer Syndrome; Neoplastic Syndromes, Hereditary; Tumor predisposition. Identifiers: Orphanet 140162, MedGen C0027672, MeSH D009386, MONDO:0015356.
Familial cancer of breast. Also called: Hereditary breast cancer; BREAST CANCER, FAMILIAL; hereditary breast carcinoma. Identifiers: Orphanet 227535, MedGen C0346153, MONDO:0016419, OMIM 114480. Disease mechanism: loss of function.

Submissions (3):

Ambry Genetics
Classification: Uncertain significance for Hereditary cancer-predisposing syndrome. Last evaluated: 2025-05-25. Review status: criteria provided, single submitter. Criteria: Ambry Variant Classification Scheme 2023. Collection method: clinical testing. Allele origin: germline.
Comment: The p.V713G variant (also known as c.2138T>G), located in coding exon 11 of the BARD1 gene, results from a T to G substitution at nucleotide position 2138. The valine at codon 713 is replaced by glycine, an amino acid with dissimilar properties. This amino acid position is highly conserved in available vertebrate species. In addition, the in silico prediction for this alteration is inconclusive. Since supporting evidence is limited at this time, the clinical significance of this alteration remains unclear.

Color Diagnostics, LLC DBA Color Health
Classification: Uncertain significance for Hereditary cancer-predisposing syndrome. Last evaluated: 2023-12-05. Review status: criteria provided, single submitter. Criteria: ACMG Guidelines, 2015. Collection method: clinical testing. Allele origin: germline.
Comment: This missense variant replaces valine with glycine at codon 713 of the BARD1 protein. Computational prediction is inconclusive regarding the impact of this variant on protein structure and function (internally defined REVEL score threshold 0.5 < inconclusive < 0.7, PMID: 27666373). To our knowledge, functional studies have not been reported for this variant. This variant has not been reported in individuals affected with BARD1-related disorders in the literature. This variant has not been identified in the general population by the Genome Aggregation Database (gnomAD). The available evidence is insufficient to determine the role of this variant in disease conclusively. Therefore, this variant is classified as a Variant of Uncertain Significance.

Labcorp Genetics (formerly Invitae), Labcorp
Classification: Uncertain significance for Familial cancer of breast. Last evaluated: 2023-02-22. Review status: criteria provided, single submitter. Criteria: Invitae Variant Classification Sherloc (09022015). Collection method: clinical testing. Allele origin: germline.
Comment: ClinVar contains an entry for this variant (Variation ID: 229785). In summary, the available evidence is currently insufficient to determine the role of this variant in disease. Therefore, it has been classified as a Variant of Uncertain Significance. An algorithm developed to predict the effect of missense changes on protein structure and function (PolyPhen-2) suggests that this variant is likely to be disruptive. This variant has not been reported in the literature in individuals affected with BARD1-related conditions. This variant is not present in population databases (gnomAD no frequency). This sequence change replaces valine, which is neutral and non-polar, with glycine, which is neutral and non-polar, at codon 713 of the BARD1 protein (p.Val713Gly).